The following is an entry in ClinVar:

ClinVar aggregate classification (germline): Uncertain significance (1 of 4 stars; one submission).

Conditions:
Long QT syndrome (LQTS). Identifiers: MedGen C0023976, MeSH D008133, MONDO:0002442. Disease mechanism: loss of function. Inheritance: Various modes of inheritance.

Allele frequency attached by ClinVar (database versions not stated): TOPMed below 0.00001; gnomAD 0.00001.
gnomAD v4.1: 2 of 1,612,788 alleles (0.00012%); highest among the groups gnomAD compares: African/African-American, 0.0013%; no homozygotes.

Submission:

Labcorp Genetics (formerly Invitae), Labcorp
Classification: Uncertain significance for Long QT syndrome. Last evaluated: 2022-05-02. Review status: criteria provided, single submitter. Criteria: Invitae Variant Classification Sherloc (09022015). Collection method: clinical testing. Allele origin: germline.
Comment: This variant is not present in population databases (gnomAD no frequency). In summary, the available evidence is currently insufficient to determine the role of this variant in disease. Therefore, it has been classified as a Variant of Uncertain Significance. Algorithms developed to predict the effect of missense changes on protein structure and function output the following: SIFT: "Tolerated"; PolyPhen-2: "Possibly Damaging"; Align-GVGD: "Class C0". The asparagine amino acid residue is found in multiple mammalian species, which suggests that this missense change does not adversely affect protein function. ClinVar contains an entry for this variant (Variation ID: 1016422). This variant has not been reported in the literature in individuals affected with AKAP9-related conditions. This sequence change replaces serine, which is neutral and polar, with asparagine, which is neutral and polar, at codon 675 of the AKAP9 protein (p.Ser675Asn).

NM_005751.5(AKAP9):c.2024G>A (p.Ser675Asn)

Gene: AKAP9 (A-kinase anchoring protein 9; plus strand). Cytogenetic location: 7q21.2.
Variant type: single nucleotide variant.
Coding change: c.2024G>A on transcript NM_005751.5 (MANE Select); coding-DNA position 2024, G replaced by A.
Protein change: p.Ser675Asn; replaces serine 675 with asparagine.
Molecular consequence: missense variant.
Genome position (GRCh38, 1-based): chr7:92,001,941, G>A. VCF-style: chr7-92001941-G-A. GRCh37 (hg19) VCF-style: chr7-91631255-G-A.
Other names: c.2024G>A, p.Ser675Asn (NM_147185.3); short protein forms S675N.
Identifiers: ClinVar variation 1016422 (VCV001016422.6), dbSNP rs1316989997, ClinGen allele CA368123143.
Genomic context (GRCh38, chr7:92,001,941, plus strand): 5'-TTAAAGATAATTTAGGCATTCACTATAAACAGCAGATAGATGGTTTACAGAATGAAATGA[G>A]TCAAAAGATAGAAACCATGCAGTTTGAAAAGGACAATTTGATAACTAAGCAGAATCAATT-3'
Protein context (NP_005742.4, residues 665-685): QQIDGLQNEM[Ser675Asn]QKIETMQFEK